The following is an entry in ClinVar:

NM_007194.4(CHEK2):c.547_548del (p.Leu183fs)

Gene: CHEK2 (checkpoint kinase 2; minus strand). Cytogenetic location: 22q12.1.
Variant type: Deletion.
Coding change: c.547_548del on transcript NM_007194.4 (MANE Select); coding-DNA positions 547 to 548, 2 bases deleted (TT; older notation c.547_548delTT).
Protein change: p.Leu183fs; shifts the reading frame from leucine 183.
Molecular consequence: frameshift variant. On other transcripts: 5 prime UTR variant (2), intron variant (1).
Genome position (GRCh38, 1-based): chr22:28,725,021-28,725,022, AA deleted on the plus strand (TT on the coding strand, the reverse complement: CHEK2 is on the minus strand); deleting any 2 consecutive bases within chr22:28,725,021-28,725,023 gives the same sequence; the c. name uses the placement nearest the transcript's 3' end. VCF-style (leftmost placement, unchanged base first): chr22-28725020-CAA-C. GRCh37 (hg19) VCF-style: chr22-29121008-CAA-C.
Other names: c.676_677del, p.Leu226fs (NM_001005735.3, NM_001438294.1); c.-231_-230del (NM_001257387.3); c.-117_-116del (NM_001437942.1); c.640_641del, p.Leu214fs (NM_001438293.1, NM_001438295.1); c.547_548del, p.Leu183fs (NM_145862.3); c.445-99_445-98del (NM_001349956.3); short protein forms L183fs, L226fs, L214fs.
Identifiers: ClinVar variation 1459296 (VCV001459296.7), dbSNP rs2146058204, ClinGen allele CA2573157967.
Genomic context (GRCh38, chr22:28,725,020, plus strand): 5'-TAAGATAATAATATTACCTTTATTTCTGCTTAGTGACAGTGCAATTTCAGAATTGTTATT[CAA>C]AGGACGGCGTTTTCCTTTCCCTACAAGCTCTGTATTTACAAAGGTTCCATTGCCACTGTG-3'

ClinVar aggregate classification (germline): Pathogenic (1 of 4 stars; one submission).

Conditions:
Familial cancer of breast. Also called: BREAST CANCER, FAMILIAL; hereditary breast carcinoma; Hereditary breast cancer. Identifiers: Orphanet 227535, MedGen C0346153, MONDO:0016419, OMIM 114480. Disease mechanism: loss of function.

Submission:

Labcorp Genetics (formerly Invitae), Labcorp
Classification: Pathogenic for Familial cancer of breast. Last evaluated: 2021-11-29. Review status: criteria provided, single submitter. Criteria: Invitae Variant Classification Sherloc (09022015). Collection method: clinical testing. Allele origin: germline.
Comment: For these reasons, this variant has been classified as Pathogenic. This variant has not been reported in the literature in individuals affected with CHEK2-related conditions. This variant is not present in population databases (gnomAD no frequency). This sequence change creates a premature translational stop signal (p.Leu183Glufs*2) in the CHEK2 gene. It is expected to result in an absent or disrupted protein product. Loss-of-function variants in CHEK2 are known to be pathogenic (PMID: 21876083, 24713400).

Literature cited by the submitters: PubMed 21876083; PubMed 24713400.